The following is an entry in ClinVar:

ClinVar aggregate classification (germline): Uncertain significance (1 of 4 stars; one submission).

Conditions:
Hereditary cancer-predisposing syndrome. Also called: Tumor predisposition; Neoplastic Syndromes, Hereditary; Hereditary Cancer Syndrome; Hereditary neoplastic syndrome. Identifiers: Orphanet 140162, MedGen C0027672, MeSH D009386, MONDO:0015356.

Submission:

Ambry Genetics
Classification: Uncertain significance for Hereditary cancer-predisposing syndrome. Last evaluated: 2024-06-30. Review status: criteria provided, single submitter. Criteria: Ambry Variant Classification Scheme 2023. Collection method: clinical testing. Allele origin: germline.
Comment: The p.A1039T variant (also known as c.3115G>A), located in coding exon 9 of the BRCA1 gene, results from a G to A substitution at nucleotide position 3115. The alanine at codon 1039 is replaced by threonine, an amino acid with similar properties. This amino acid position is conserved. In addition, this alteration is predicted to be tolerated by in silico analysis. Based on the available evidence, the clinical significance of this variant remains unclear.

NM_007294.4(BRCA1):c.3115G>A (p.Ala1039Thr)

Gene: BRCA1 (BRCA1 DNA repair associated; minus strand). Cytogenetic location: 17q21.31.
Variant type: single nucleotide variant.
Coding change: c.3115G>A on transcript NM_007294.4 (MANE Select); coding-DNA position 3115, G replaced by A.
Protein change: p.Ala1039Thr; replaces alanine 1039 with threonine.
Molecular consequence: missense variant. On other transcripts: intron variant (137).
Genome position (GRCh38, 1-based): chr17:43,092,416, C>T on the plus strand (G>A on the coding strand, the complement: BRCA1 is on the minus strand). VCF-style: chr17-43092416-C-T. GRCh37 (hg19) VCF-style: chr17-41244433-C-T.
Other names: c.2989G>A, p.Ala997Thr (NM_001407686.1, NM_001407687.1, NM_001407688.1 and 11 more transcripts); c.2974G>A, p.Ala992Thr (NM_001407692.1, NM_001407694.1, NM_001407695.1 and 29 more transcripts); c.2902G>A, p.Ala968Thr (NM_001407571.1, NM_001407853.1, NM_001407894.1 and 9 more transcripts); c.3115G>A, p.Ala1039Thr (NM_001407581.1, NM_001407582.1, NM_001407583.1 and 30 more transcripts); c.707-1384G>A (NM_001408416.1, NM_001408413.1); c.578-1384G>A (NM_001408484.1, NM_001408478.1, NM_001408514.1 and 9 more transcripts); c.3112G>A, p.Ala1038Thr (NM_001407587.1, NM_001407590.1, NM_001407591.1 and 22 more transcripts); c.662-1384G>A (NM_001408450.1, NM_001408434.1, NM_001408447.1 and 6 more transcripts); and 41 more; short protein forms A1038T, A1039T, A912T, A928T, A950T, A951T, A971T, A968T.
Identifiers: ClinVar variation 3481822 (VCV003481822.1).